The following is an entry in ClinVar:

ClinVar aggregate classification (germline): Pathogenic (1 of 4 stars; one submission).

Allele frequency attached by ClinVar (database versions not stated): gnomAD exomes below 0.00001; TOPMed below 0.00001; ExAC 0.00001; gnomAD 0.00001; ESP Exome Variant Server 0.00008.

Submission:

Labcorp Genetics (formerly Invitae), Labcorp
Classification: Pathogenic. Last evaluated: 2020-12-02. Review status: criteria provided, single submitter. Criteria: Invitae Variant Classification Sherloc (09022015). Collection method: clinical testing. Allele origin: germline.
Comment: For these reasons, this variant has been classified as Pathogenic. This variant has not been reported in the literature in individuals with COL7A1-related conditions. The frequency data for this variant in the population databases is considered unreliable, as metrics indicate poor data quality at this position in the ExAC database. This sequence change creates a premature translational stop signal (p.Gly1922Serfs*82) in the COL7A1 gene. It is expected to result in an absent or disrupted protein product. Loss-of-function variants in COL7A1 are known to be pathogenic (PMID: 16971478).

Literature cited by the submitters: PubMed 16971478.

NM_000094.4(COL7A1):c.5764_5767del (p.Gly1922fs)

Gene: COL7A1 (collagen type VII alpha 1 chain; minus strand). Cytogenetic location: 3p21.31.
Variant type: Deletion.
Coding change: c.5764_5767del on transcript NM_000094.4 (MANE Select); coding-DNA positions 5764 to 5767, 4 bases deleted (GGGG; older notation c.5764_5767delGGGG).
Protein change: p.Gly1922fs; shifts the reading frame from glycine 1922.
Molecular consequence: frameshift variant.
Genome position (GRCh38, 1-based): chr3:48,576,405-48,576,408, CCCC deleted on the plus strand (GGGG on the coding strand, the reverse complement: COL7A1 is on the minus strand). VCF-style (leftmost placement, unchanged base first): chr3-48576404-TCCCC-T. GRCh37 (hg19) VCF-style: chr3-48613837-TCCCC-T.
Other names: short protein forms G1922fs.
Identifiers: ClinVar variation 1451860 (VCV001451860.6), dbSNP rs747769277, ClinGen allele CA2379342.
Genomic context (GRCh38, chr3:48,576,404, plus strand): 5'-TGTGCACATGTGGGTGCTGTGGCTACCTGGGCATGTGGAAAAGGTGGGGGCCTCACCTGC[TCCCC>T]TTTGGATCCAGTCTCCCCACGGTCACCCTGAAAACAAGAATGACCAGGTGGGGAAATGGC-3'